The following continues an entry in ClinVar:

NM_001040142.2(SCN2A):c.2558G>A (p.Arg853Gln)

Gene: SCN2A. ClinVar aggregate classification (germline): Pathogenic. Pathogenic (1).

Submissions 13 to 16 of 16:

CENTOGENE GmbH and LLC - Guiding Precision Medicine
Classification: Pathogenic for Developmental and epileptic encephalopathy, 11. Review status: criteria provided, single submitter. Criteria: ACMG Guidelines, 2015. Collection method: clinical testing. Allele origin: de novo. Affected: yes. Not counted in ClinVar's aggregate classification.

Neurology Department, Shenzhen Children's Hospital
Classification: Pathogenic. Last evaluated: 2022-02-16. Review status: no assertion criteria provided. Collection method: clinical testing. Allele origin: maternal, de novo. Affected: yes. Observed: 3 variant alleles. Not counted in ClinVar's aggregate classification.

OMIM
Classification: Pathogenic for DEVELOPMENTAL AND EPILEPTIC ENCEPHALOPATHY 11. Last evaluated: 2020-10-19. Review status: no assertion criteria provided. Collection method: literature only. Allele origin: germline. Not counted in ClinVar's aggregate classification.

Channelopathy-Associated Epilepsy Research Center
No classification provided (evidence only). Condition: Complex neurodevelopmental disorder. Review status: no classification provided. Collection method: literature only. Allele origin: not applicable. Functional consequence: Decrease in resurgent current, Decrease in persistent current, Mild decrease in peak current, Normal voltage dependence of activation, Mild hyperpolarizing shift of voltage dependence of fast inactivation, Normal fast inactivation, Absence of abnormal gating pore current, Overall loss-of-function. Not counted in ClinVar's aggregate classification.
ClinVar note: "not provided" was previously submitted as the classification for the variant. However, the classification appeared to be based only on an observation of functional data so it was converted to no classification on 2025-07-30.

Literature cited by the submitters: PubMed 31558572 (cited by ClinGen Epilepsy Sodium Channel Variant Curation Expert Panel, Clingen and Channelopathy-Associated Epilepsy Research Center); PubMed 28379373 (cited by 5 submitters); PubMed 29844171 (cited by Dasa and OMIM); PubMed 23935176 (cited by 5 submitters); PubMed 25772804 (cited by 4 submitters); PubMed 29186148 (cited by Dasa and Labcorp Genetics (formerly Invitae), Labcorp); PubMed 23934111 (cited by 3 submitters); PubMed 31139143 (cited by Dasa); PubMed 28708303 (cited by Dasa and Groupe Hospitalier Pitie Salpetriere, Uf Genomique Du Developpement, Assistance Publique Hopitaux de Paris Sorbonne Université); PubMed 31871067 (cited by Dasa); PubMed 32183904 (cited by Dasa); PubMed 28628100 (cited by Athena Diagnostics); PubMed 32860008 (cited by CENTOGENE GmbH and LLC - Guiding Precision Medicine).